The following is an entry in ClinVar:

NM_003060.4(SLC22A5):c.1451-16G>A

Gene: SLC22A5 (solute carrier family 22 member 5; plus strand). Cytogenetic location: 5q31.1.
Variant type: single nucleotide variant.
Coding change: c.1451-16G>A on transcript NM_003060.4 (MANE Select); 16 bases into the intron before coding-DNA position 1451, G replaced by A.
Molecular consequence: intron variant.
Genome position (GRCh38, 1-based): chr5:132,393,660, G>A. VCF-style: chr5-132393660-G-A. GRCh37 (hg19) VCF-style: chr5-131729352-G-A.
Other names: c.1523-16G>A (NM_001308122.2).
Identifiers: ClinVar variation 384575 (VCV000384575.15), dbSNP rs140988771, ClinGen allele CA3404174.

ClinVar aggregate classification (germline): Benign/Likely benign. Review status: criteria provided, multiple submitters, no conflicts (2 of 4 stars). 6 submissions from 6 submitters: Benign (3); Likely benign (3). Last evaluated 2026-02-03.

Conditions:
Renal carnitine transport defect (CDSP). Also called: Systemic primary carnitine deficiency; Carnitine Deficiency, Systemic; Primary carnitine deficiency; Carnitine transporter deficiency; Systemic primary carnitine deficiency disease; CARNITINE DEFICIENCY, SYSTEMIC, DUE TO DEFECT IN RENAL REABSORPTION OF CARNITINE. Identifiers: Orphanet 158, MedGen C0342788, MONDO:0008919, OMIM 212140.

Allele frequency attached by ClinVar (database versions not stated): gnomAD exomes 0.00087 and 0.00150; ExAC 0.00170; 1000 Genomes Project 30x 0.00312; 1000 Genomes Project 0.00339; gnomAD 0.00353 and 0.00371; TOPMed 0.00435; ESP Exome Variant Server 0.00523.
gnomAD v4.1: 1,827 of 1,614,014 alleles (0.11%); highest among the groups gnomAD compares: African/African-American, 1.1%; 7 homozygotes.

Submissions (6):

Labcorp Genetics (formerly Invitae), Labcorp
Classification: Benign for Renal carnitine transport defect. Last evaluated: 2026-02-03. Review status: criteria provided, single submitter. Criteria: Invitae Variant Classification Sherloc (09022015). Collection method: clinical testing. Allele origin: germline.

Blueprint Genetics
Classification: Likely benign. Last evaluated: 2024-11-26. Review status: criteria provided, single submitter. Criteria: ACMG Guidelines, 2015. Collection method: clinical testing. Allele origin: germline.

Genome-Nilou Lab
Classification: Benign for Renal carnitine transport defect. Last evaluated: 2021-07-15. Review status: criteria provided, single submitter. Criteria: ACMG Guidelines, 2015. Collection method: clinical testing. Allele origin: germline. Affected: no.

Women's Health and Genetics/Laboratory Corporation of America, LabCorp
Classification: Benign. Last evaluated: 2019-03-11. Review status: criteria provided, single submitter. Criteria: LabCorp Variant Classification Summary - May 2015. Collection method: clinical testing. Allele origin: germline.
Comment: Variant summary: SLC22A5 c.1451-16G>A alters a non-conserved nucleotide located close to a canonical splice site and therefore could affect mRNA splicing, leading to a significantly altered protein sequence. 5/5 computational tools predict no significant impact on normal splicing. However, these predictions have yet to be confirmed by functional studies. The variant allele was found at a frequency of 0.0017 in 277110 control chromosomes, predominantly at a frequency of 0.011 within the African subpopulation in the gnomAD database, including 2 homozygotes. The observed variant frequency within African control individuals in the gnomAD database is approximately 2.41 fold of the estimated maximal expected allele frequency for a pathogenic variant in SLC22A5 causing Systemic Primary Carnitine Deficiency phenotype (0.0046), strongly suggesting that the variant is a benign polymorphism found primarily in populations of African origin. To our knowledge, no occurrence of c.1451-16G>A in individuals affected with Systemic Primary Carnitine Deficiency and no experimental evidence demonstrating its impact on protein function have been reported. A ClinVar submission from a clinical diagnostic laboratory (evaluation after 2014) cites the variant as likely benign. Based on the evidence outlined above, the variant was classified as benign.

GeneDx
Classification: Likely benign. Last evaluated: 2017-06-21. Review status: criteria provided, single submitter. Criteria: GeneDx Variant Classification (06012015). Collection method: clinical testing. Allele origin: germline. Affected: yes.
Comment: This variant is considered likely benign or benign based on one or more of the following criteria: it is a conservative change, it occurs at a poorly conserved position in the protein, it is predicted to be benign by multiple in silico algorithms, and/or has population frequency not consistent with disease.

Breakthrough Genomics
Classification: Likely benign. Review status: criteria provided, single submitter. Criteria: ACMG Guidelines, 2015. Collection method: not provided. Allele origin: germline. Inheritance: Autosomal recessive inheritance. Affected: yes.